The following is an entry in ClinVar:

NM_000057.4(BLM):c.822T>G (p.Asn274Lys)

Gene: BLM (BLM RecQ like helicase; plus strand). Cytogenetic location: 15q26.1.
Variant type: single nucleotide variant.
Coding change: c.822T>G on transcript NM_000057.4 (MANE Select); coding-DNA position 822, T replaced by G.
Protein change: p.Asn274Lys; replaces asparagine 274 with lysine.
Molecular consequence: missense variant. On other transcripts: 5 prime UTR variant (1).
Genome position (GRCh38, 1-based): chr15:90,751,809, T>G. VCF-style: chr15-90751809-T-G. GRCh37 (hg19) VCF-style: chr15-91295039-T-G.
Other names: c.822T>G, p.Asn274Lys (NM_001287246.2, NM_001287247.2); c.-470T>G (NM_001287248.2); short protein forms N274K.
Identifiers: ClinVar variation 4843393 (VCV004843393.1).
Genomic context (GRCh38, chr15:90,751,809, plus strand): 5'-GGTTAACAAATCTATGTTTATCAACTGTTTTACTGTAGATAATAGCGAAAAGAAGAAGAA[T>G]TTGGAAGAAGCTGAATTACATTCAACTGAGAAAGTTCCATGTATTGAATTTGATGATGAT-3'
Protein context (NP_000048.1, residues 264-284): DERDNSEKKK[Asn274Lys]LEEAELHSTE

ClinVar aggregate classification (germline): Uncertain significance (1 of 4 stars; one submission).

Conditions:
Hereditary cancer-predisposing syndrome. Also called: Neoplastic Syndromes, Hereditary; Tumor predisposition; Hereditary Cancer Syndrome; Hereditary neoplastic syndrome. Identifiers: Orphanet 140162, MedGen C0027672, MeSH D009386, MONDO:0015356.

Submission:

Ambry Genetics
Classification: Uncertain significance for Hereditary cancer-predisposing syndrome. Last evaluated: 2025-12-22. Review status: criteria provided, single submitter. Criteria: Ambry Variant Classification Scheme 2023. Collection method: clinical testing. Allele origin: germline.
Comment: The p.N274K variant (also known as c.822T>G), located in coding exon 3 of the BLM gene, results from a T to G substitution at nucleotide position 822. The asparagine at codon 274 is replaced by lysine, an amino acid with similar properties. This amino acid position is conserved. In addition, this alteration is predicted to be tolerated by in silico analysis. Based on the available evidence, the clinical significance of this variant remains unclear.